The following is an entry in ClinVar:

NM_000372.5(TYR):c.706T>C (p.Trp236Arg)

Gene: TYR (tyrosinase; plus strand). Cytogenetic location: 11q14.3.
Variant type: single nucleotide variant.
Coding change: c.706T>C on transcript NM_000372.5 (MANE Select); coding-DNA position 706, T replaced by C.
Protein change: p.Trp236Arg; replaces tryptophan 236 with arginine.
Molecular consequence: missense variant.
Genome position (GRCh38, 1-based): chr11:89,178,659, T>C. VCF-style: chr11-89178659-T-C. GRCh37 (hg19) VCF-style: chr11-88911827-T-C.
Other names: short protein forms W236R.
Identifiers: ClinVar variation 1369307 (VCV001369307.9), dbSNP rs2135242624, ClinGen allele CA382035177.
Genomic context (GRCh38, chr11:89,178,659, plus strand): 5'-TTGCGGTGGGAACAAGAAATCCAGAAGCTGACAGGAGATGAAAACTTCACTATTCCATAT[T>C]GGGACTGGCGGGATGCAGAAAAGTGTGACATTTGCACAGATGAGTACATGGGAGGTCAGC-3'
Protein context (NP_000363.1, residues 226-246): TGDENFTIPY[Trp236Arg]DWRDAEKCDI

ClinVar aggregate classification (germline): Pathogenic/Likely pathogenic. Review status: criteria provided, multiple submitters, no conflicts (2 of 4 stars). 4 submissions from 4 submitters: Pathogenic (3); Likely pathogenic (1). Last evaluated 2025-12-29.

Conditions:
Oculocutaneous albinism type 1. Also called: Albinism 1; ALBINISM I. Identifiers: Orphanet 352731, MedGen C0268494, MONDO:0018135. Disease mechanism: loss of function.
Oculocutaneous albinism. Identifiers: Orphanet 55, MedGen C0078918, MONDO:0018910.
SKIN/HAIR/EYE PIGMENTATION 3, LIGHT/DARK SKIN (SHEP3). Also called: EYE COLOR 1; EYE COLOR, GREEN/BLUE; SKIN/HAIR/EYE PIGMENTATION, VARIATION IN, 3; SKIN/HAIR/EYE PIGMENTATION 3, BLUE/GREEN EYE COLOR; SKIN/HAIR/EYE PIGMENTATION 3, FRECKLING. Identifiers: MedGen C2677190, OMIM 601800.

gnomAD v4.1: 1 of 1,613,664 alleles (0.000062%); no homozygotes.

Submissions (4):

Myriad Genetics, Inc.
Classification: Likely pathogenic for Oculocutaneous albinism type 1. Last evaluated: 2025-12-29. Review status: criteria provided, single submitter. Criteria: Myriad Autosomal Dominant, Autosomal Recessive and X-Linked Classification Criteria (2023). Collection method: clinical testing. Allele origin: unknown.
Comment: NM_000372.4(TYR):c.706T>C(W236R) is a missense variant classified as likely pathogenic in the context of oculocutaneous albinism, TYR-related. W236R has been observed in cases with relevant disease (PMID: 19865097, 33124154, 34838614). Relevant functional assessments of this variant are not available in the literature. W236R has not been observed in referenced population frequency databases. In summary, NM_000372.4(TYR):c.706T>C(W236R) is a missense variant that has been observed more frequently in cases with the relevant disease than in healthy populations. Please note: this variant was assessed in the context of healthy population screening.

Labcorp Genetics (formerly Invitae), Labcorp
Classification: Pathogenic. Last evaluated: 2025-08-21. Review status: criteria provided, single submitter. Criteria: Invitae Variant Classification Sherloc (09022015). Collection method: clinical testing. Allele origin: germline.
Comment: This sequence change replaces tryptophan, which is neutral and slightly polar, with arginine, which is basic and polar, at codon 236 of the TYR protein (p.Trp236Arg). This variant is not present in population databases (gnomAD no frequency). This missense change has been observed in individual(s) with clinical features of oculocutaneous albinism (PMID: 19865097, 34838614). ClinVar contains an entry for this variant (Variation ID: 1369307). Invitae Evidence Modeling of protein sequence and biophysical properties (such as structural, functional, and spatial information, amino acid conservation, physicochemical variation, residue mobility, and thermodynamic stability) indicates that this missense variant is expected to disrupt TYR protein function with a positive predictive value of 95%. This variant disrupts the p.Trp236 amino acid residue in TYR. Other variant(s) that disrupt this residue have been observed in individuals with TYR-related conditions (PMID: 10987646, 19865097), which suggests that this may be a clinically significant amino acid residue. For these reasons, this variant has been classified as Pathogenic.

Women's Health and Genetics/Laboratory Corporation of America, LabCorp
Classification: Pathogenic for Oculocutaneous albinism. Last evaluated: 2025-06-18. Review status: criteria provided, single submitter. Criteria: LabCorp Variant Classification Summary - May 2015. Collection method: clinical testing. Allele origin: germline.
Comment: Variant summary: TYR c.706T>C (p.Trp236Arg) results in a non-conservative amino acid change in the encoded protein sequence. Algorithms developed to predict the effect of missense changes on protein structure and function all suggest that this variant is likely to be disruptive. The variant was absent in 251074 control chromosomes (gnomAD). c.706T>C has been observed in multiple individuals affected with Oculocutaneous Albinism (Wei_2010, Wei_2022). These data indicate that the variant is very likely to be associated with disease. The following publications have been ascertained in the context of this evaluation (PMID: 19865097, 34838614). ClinVar contains an entry for this variant (Variation ID: 1369307). Based on the evidence outlined above, the variant was classified as pathogenic.

Baylor Genetics
Classification: Pathogenic for SKIN/HAIR/EYE PIGMENTATION 3, LIGHT/DARK SKIN. Last evaluated: 2023-10-26. Review status: criteria provided, single submitter. Criteria: ACMG Guidelines, 2015. Collection method: clinical testing. Allele origin: unknown.

Literature cited by the submitters: PubMed 19865097 (cited by 3 submitters); PubMed 33124154 (cited by Myriad Genetics, Inc.); PubMed 34838614 (cited by 3 submitters); PubMed 10987646 (cited by Labcorp Genetics (formerly Invitae), Labcorp).